The following is an entry in ClinVar:

NM_001199799.2(ILDR1):c.363G>C (p.Lys121Asn)

Gene: ILDR1 (immunoglobulin like domain containing receptor 1; minus strand). Cytogenetic location: 3q13.33.
Variant type: single nucleotide variant.
Coding change: c.363G>C on transcript NM_001199799.2 (MANE Select); coding-DNA position 363, G replaced by C.
Protein change: p.Lys121Asn; replaces lysine 121 with asparagine.
Molecular consequence: missense variant.
Genome position (GRCh38, 1-based): chr3:122,005,260, C>G on the plus strand (G>C on the coding strand, the complement: ILDR1 is on the minus strand). VCF-style: chr3-122005260-C-G. GRCh37 (hg19) VCF-style: chr3-121724107-C-G.
Other names: c.363G>C, p.Lys121Asn (NM_001199800.2, NM_175924.4); short protein forms K121N.
Identifiers: ClinVar variation 4537842 (VCV004537842.1).

ClinVar aggregate classification (germline): Uncertain significance (1 of 4 stars; one submission).

Submission:

GeneDx
Classification: Uncertain significance. Last evaluated: 2025-06-10. Review status: criteria provided, single submitter. Criteria: GeneDx Variant Classification Process June 2021. Collection method: clinical testing. Allele origin: germline. Affected: yes.
Comment: Not observed at significant frequency in large population cohorts (gnomAD); In silico analysis supports that this missense variant has a deleterious effect on protein structure/function; Has not been previously published as pathogenic or benign to our knowledge